The following is an entry in ClinVar:

NM_005120.3(MED12):c.5747A>G (p.Gln1916Arg)

Gene: MED12 (mediator complex subunit 12; plus strand). Cytogenetic location: Xq13.1.
Variant type: single nucleotide variant.
Coding change: c.5747A>G on transcript NM_005120.3 (MANE Select); coding-DNA position 5747, A replaced by G.
Protein change: p.Gln1916Arg; replaces glutamine 1916 with arginine.
Molecular consequence: missense variant.
Genome position (GRCh38, 1-based): chrX:71,137,382, A>G. VCF-style: chrX-71137382-A-G. GRCh37 (hg19) VCF-style: chrX-70357232-A-G.
Other names: short protein forms Q1916R.
Identifiers: ClinVar variation 1367472 (VCV001367472.8), dbSNP rs2147829667, ClinGen allele CA413537698.

ClinVar aggregate classification (germline): Uncertain significance (1 of 4 stars; one submission).

Conditions:
FG syndrome (FGS). Identifiers: MedGen C0220769, MONDO:0002010.

Submission:

Labcorp Genetics (formerly Invitae), Labcorp
Classification: Uncertain significance for FG syndrome. Last evaluated: 2021-01-28. Review status: criteria provided, single submitter. Criteria: Invitae Variant Classification Sherloc (09022015). Collection method: clinical testing. Allele origin: germline.
Comment: In summary, the available evidence is currently insufficient to determine the role of this variant in disease. Therefore, it has been classified as a Variant of Uncertain Significance. Algorithms developed to predict the effect of missense changes on protein structure and function are either unavailable or do not agree on the potential impact of this missense change (SIFT: "Deleterious"; PolyPhen-2: "Probably Damaging"; Align-GVGD: "Class C0"). This variant has not been reported in the literature in individuals with MED12-related conditions. This variant is not present in population databases (ExAC no frequency). This sequence change replaces glutamine with arginine at codon 1916 of the MED12 protein (p.Gln1916Arg). The glutamine residue is highly conserved and there is a small physicochemical difference between glutamine and arginine.